The following is an entry in ClinVar:

NM_015047.3(EMC1):c.858T>G (p.Ala286=)

Genes: EMC1 (ER membrane protein complex subunit 1; minus strand), EMC1-AS1 (EMC1 antisense RNA 1; plus strand). Cytogenetic location: 1p36.13.
Variant type: single nucleotide variant.
Coding change: c.858T>G on transcript NM_015047.3 (MANE Select); coding-DNA position 858, T replaced by G.
Protein change: p.Ala286=; no amino-acid change (alanine 286 retained).
Molecular consequence: synonymous variant.
Genome position (GRCh38, 1-based): chr1:19,239,914, A>C on the plus strand (T>G on the coding strand, the complement: EMC1 is on the minus strand). VCF-style: chr1-19239914-A-C. GRCh37 (hg19) VCF-style: chr1-19566408-A-C.
Other names: c.858T>G, p.Ala286= (NM_001271427.2, NM_001271428.2, NM_001375820.1 and 1 more transcripts); c.792T>G, p.Ala264= (NM_001271429.2).
Identifiers: ClinVar variation 713445 (VCV000713445.33), dbSNP rs143222669, ClinGen allele CA652769.

ClinVar aggregate classification (germline): Benign/Likely benign. Review status: criteria provided, multiple submitters, no conflicts (2 of 4 stars). 6 submissions from 6 submitters: Benign (2); Likely benign (2). 2 of the submissions do not count toward it. Last evaluated 2026-01-28.

Allele frequency attached by ClinVar (database versions not stated): 1000 Genomes Project 30x 0.00062; 1000 Genomes Project 0.00080; ESP Exome Variant Server 0.00115; gnomAD 0.00116 and 0.00126; TOPMed 0.00129; gnomAD exomes 0.00164 and 0.00185; ExAC 0.00194.

Submissions (6):

Labcorp Genetics (formerly Invitae), Labcorp
Classification: Benign. Last evaluated: 2026-01-28. Review status: criteria provided, single submitter. Criteria: Invitae Variant Classification Sherloc (09022015). Collection method: clinical testing. Allele origin: germline.

CeGaT Center for Human Genetics Tuebingen
Classification: Likely benign. Last evaluated: 2025-09-01. Review status: criteria provided, single submitter. Criteria: CeGaT Center For Human Genetics Tuebingen Variant Classification Criteria Version 2. Collection method: clinical testing. Allele origin: germline. Affected: yes. Observed: 3 variant alleles.
Comment: EMC1: BP4, BP7

Blueprint Genetics
Classification: Likely benign. Last evaluated: 2024-11-21. Review status: criteria provided, single submitter. Criteria: ACMG Guidelines, 2015. Collection method: clinical testing. Allele origin: germline.

Breakthrough Genomics
Classification: Benign. Review status: criteria provided, single submitter. Criteria: ACMG Guidelines, 2015. Collection method: not provided. Allele origin: germline. Inheritance: Autosomal recessive inheritance. Affected: yes.

Clinical Genetics DNA and cytogenetics Diagnostics Lab, Erasmus MC, Erasmus Medical Center
Classification: Likely benign. Review status: no assertion criteria provided. Collection method: clinical testing. Allele origin: germline. Affected: yes. Study: VKGL Data-share Consensus. Not counted in ClinVar's aggregate classification.

Clinical Genetics, Academic Medical Center
Classification: Benign. Review status: no assertion criteria provided. Collection method: clinical testing. Allele origin: germline. Affected: yes. Study: VKGL Data-share Consensus. Not counted in ClinVar's aggregate classification.